The following is an entry in ClinVar:

NM_000512.5(GALNS):c.532_533del (p.Ile178fs)

Gene: GALNS (galactosamine (N-acetyl)-6-sulfatase; minus strand). Cytogenetic location: 16q24.3.
Variant type: Deletion.
Coding change: c.532_533del on transcript NM_000512.5 (MANE Select); coding-DNA positions 532 to 533, 2 bases deleted (AT; older notation c.532_533delAT).
Protein change: p.Ile178fs; shifts the reading frame from isoleucine 178.
Molecular consequence: frameshift variant. On other transcripts: 5 prime UTR variant (1).
Genome position (GRCh38, 1-based): chr16:88,837,655-88,837,656, AT deleted on the plus strand (AT on the coding strand, the reverse complement: GALNS is on the minus strand). VCF-style (leftmost placement, unchanged base first): chr16-88837654-GAT-G. GRCh37 (hg19) VCF-style: chr16-88904062-GAT-G.
Other names: c.-24_-23del (NM_001323543.2); c.550_551del, p.Ile184fs (NM_001323544.2); short protein forms I178fs, I184fs.
Identifiers: ClinVar variation 1048286 (VCV001048286.3), dbSNP rs2143002345, ClinGen allele CA915940959.

ClinVar aggregate classification (germline): Likely pathogenic (1 of 4 stars; one submission).

Conditions:
Mucopolysaccharidosis, MPS-IV-A (MPS4A). Also called: Mucopolysaccharidosis type IV A; Mucopolysaccharidosis Type IVA; Morquio syndrome A, mild; MORQUIO SYNDROME A; MPS IVA; mucopolysaccharidosis type 4A. Identifiers: Orphanet 309297, Orphanet 582, MedGen C0086651, MONDO:0009659, OMIM 253000.

Submission:

Laboratory of Diagnosis and Therapy of Lysosomal Disorders, University of Padova
Classification: Likely pathogenic for Mucopolysaccharidosis, MPS-IV-A. Last evaluated: 2021-02-01. Review status: criteria provided, single submitter. Criteria: ACMG Guidelines, 2015. Collection method: curation. Allele origin: germline. Affected: yes.
Comment: Frameshift variant (PVS1_very strong); absent from gnomAD v2.1.1 (PM2_moderate)

Literature cited by the submitters: PubMed 9298823; PubMed 34387910.